The following is an entry in ClinVar:

ClinVar aggregate classification (germline): Uncertain significance (1 of 4 stars; one submission).

gnomAD v4.1: 55 of 1,551,146 alleles (0.0035%); highest among the groups gnomAD compares: Non-Finnish European, 0.0047%; no homozygotes.

Submission:

GeneDx
Classification: Uncertain significance. Last evaluated: 2026-05-08. Review status: criteria provided, single submitter. Criteria: GeneDx Variant Classification Process June 2021. Collection method: clinical testing. Allele origin: germline.
Comment: Not observed at significant frequency in large population cohorts (gnomAD); In silico analysis supports that this missense variant has a deleterious effect on protein structure/function; Has not been previously published as pathogenic or benign to our knowledge; In silico analysis suggests this variant may impact gene splicing. In the absence of RNA/functional studies, the actual effect of this sequence change is unknown.

NM_001384732.1(CPLANE1):c.1022T>G (p.Leu341Trp)

Gene: CPLANE1 (ciliogenesis and planar polarity effector complex subunit 1; minus strand). Cytogenetic location: 5p13.2.
Variant type: single nucleotide variant.
Coding change: c.1022T>G on transcript NM_001384732.1 (MANE Select); coding-DNA position 1022, T replaced by G.
Protein change: p.Leu341Trp; replaces leucine 341 with tryptophan.
Molecular consequence: missense variant.
Genome position (GRCh38, 1-based): chr5:37,230,966, A>C on the plus strand (T>G on the coding strand, the complement: CPLANE1 is on the minus strand). VCF-style: chr5-37230966-A-C. GRCh37 (hg19) VCF-style: chr5-37231068-A-C.
Other names: c.1022T>G, p.Leu341Trp (NM_023073.4); short protein forms L341W.
Identifiers: ClinVar variation 3893434 (VCV003893434.2).
Genomic context (GRCh38, chr5:37,230,966, plus strand): 5'-GGGCCAAATTCTATAGAGCAACCAAATGTAATTAATGTTAGCAATTCACCTTGGCAGGTC[A>C]ATAAAACCAGAGAGCCACGTTTTAACATACAAGCCAGAAAAAGACTATCATGCGTCCAGC-3'
Protein context (NP_001371661.1, residues 331-351): CMLKRGSLVL[Leu341Trp]TCQGELLTLI